The following is an entry in ClinVar:

NM_144773.4(PROKR2):c.319T>C (p.Cys107Arg)

Gene: PROKR2 (prokineticin receptor 2; minus strand). Cytogenetic location: 20p12.3.
Variant type: single nucleotide variant.
Coding change: c.319T>C on transcript NM_144773.4 (MANE Select); coding-DNA position 319, T replaced by C.
Protein change: p.Cys107Arg; replaces cysteine 107 with arginine.
Molecular consequence: missense variant.
Genome position (GRCh38, 1-based): chr20:5,314,051, A>G on the plus strand (T>C on the coding strand, the complement: PROKR2 is on the minus strand). VCF-style: chr20-5314051-A-G. GRCh37 (hg19) VCF-style: chr20-5294697-A-G.
Other names: short protein forms C107R.
Identifiers: ClinVar variation 3661711 (VCV003661711.2).
Genomic context (GRCh38, chr20:5,314,051, plus strand): 5'-GCACGTGGCCATGCTCCCAGGAGAGCTGCCGTACCACGTAGTAGTCCATCTCGAAGGGGC[A>G]GCAGATGATGGCCACCAGGAAGTCGGAGATGGCCAGGTTGGCAATGAGCAGATTGGTGAG-3'
Protein context (NP_658986.1, residues 97-117): ISDFLVAIIC[Cys107Arg]PFEMDYYVVR

ClinVar aggregate classification (germline): Uncertain significance (1 of 4 stars; one submission).

Submission:

Labcorp Genetics (formerly Invitae), Labcorp
Classification: Uncertain significance. Last evaluated: 2024-08-08. Review status: criteria provided, single submitter. Criteria: Invitae Variant Classification Sherloc (09022015). Collection method: clinical testing. Allele origin: germline.
Comment: This sequence change replaces cysteine, which is neutral and slightly polar, with arginine, which is basic and polar, at codon 107 of the PROKR2 protein (p.Cys107Arg). This variant is not present in population databases (gnomAD no frequency). This variant has not been reported in the literature in individuals affected with PROKR2-related conditions. Advanced modeling of protein sequence and biophysical properties (such as structural, functional, and spatial information, amino acid conservation, physicochemical variation, residue mobility, and thermodynamic stability) performed at Invitae indicates that this missense variant is expected to disrupt PROKR2 protein function with a positive predictive value of 80%. In summary, the available evidence is currently insufficient to determine the role of this variant in disease. Therefore, it has been classified as a Variant of Uncertain Significance.